The following is an entry in ClinVar:

NM_001142800.2(EYS):c.5149del (p.Val1716_Leu1717insTer)

Gene: EYS (EGF-like photoreceptor maintenance factor; minus strand). Cytogenetic location: 6q12.
Variant type: Deletion.
Coding change: c.5149del on transcript NM_001142800.2 (MANE Select); coding-DNA position 5149, one base deleted (C; older notation c.5149delC).
Protein change: p.Val1716_Leu1717insTer.
Molecular consequence: nonsense.
Genome position (GRCh38, 1-based): chr6:64,590,718, G deleted on the plus strand (C on the coding strand, the reverse complement: EYS is on the minus strand). VCF-style (leftmost placement, unchanged base first): chr6-64590717-AG-A. GRCh37 (hg19) VCF-style: chr6-65300610-AG-A.
Other names: c.5149del, p.Val1716_Leu1717insTer (NM_001292009.2).
Identifiers: ClinVar variation 854153 (VCV000854153.7), dbSNP rs1766378599, ClinGen allele CA916082865.
Genomic context (GRCh38, chr6:64,590,717, plus strand): 5'-AGTTTGAACAGTGTATGAGATCCTTTACTTTTTTCCATGTCCAATAAGCTCTCTTGATTT[AG>A]TACCTCAGTGGGTCCCATAGTTATGCCATATTGTCTTATTTTCAATAGTTTTAAAATGTT-3'

ClinVar aggregate classification (germline): Pathogenic (1 of 4 stars; one submission).

Submission:

Labcorp Genetics (formerly Invitae), Labcorp
Classification: Pathogenic. Last evaluated: 2022-05-27. Review status: criteria provided, single submitter. Criteria: Invitae Variant Classification Sherloc (09022015). Collection method: clinical testing. Allele origin: germline.
Comment: This sequence change creates a premature translational stop signal (p.Leu1717*) in the EYS gene. It is expected to result in an absent or disrupted protein product. Loss-of-function variants in EYS are known to be pathogenic (PMID: 18836446, 20333770). For these reasons, this variant has been classified as Pathogenic. This variant is not present in population databases (gnomAD no frequency). This variant has not been reported in the literature in individuals affected with EYS-related conditions. ClinVar contains an entry for this variant (Variation ID: 854153).

Literature cited by the submitters: PubMed 18836446; PubMed 20333770.